The following is an entry in ClinVar:

NM_001267550.2(TTN):c.88705T>A (p.Tyr29569Asn)

Genes: TTN (titin; minus strand), TTN-AS1 (TTN antisense RNA 1; plus strand). Cytogenetic location: 2q31.2.
Variant type: single nucleotide variant.
Coding change: c.88705T>A on transcript NM_001267550.2 (MANE Select); coding-DNA position 88705, T replaced by A.
Protein change: p.Tyr29569Asn; replaces tyrosine 29569 with asparagine.
Molecular consequence: missense variant.
Genome position (GRCh38, 1-based): chr2:178,554,642, A>T on the plus strand (T>A on the coding strand, the complement: TTN is on the minus strand). VCF-style: chr2-178554642-A-T. GRCh37 (hg19) VCF-style: chr2-179419369-A-T.
Other names: p.Tyr27928Asn; c.83782T>A, p.Tyr27928Asn (NM_001256850.1); c.61510T>A, p.Tyr20504Asn (NM_003319.4); c.81001T>A, p.Tyr27001Asn (NM_133378.4); c.61885T>A, p.Tyr20629Asn (NM_133432.3); c.62086T>A, p.Tyr20696Asn (NM_133437.4); short protein forms Y20504N, Y20629N, Y20696N, Y27001N, Y27928N, Y29569N.
Identifiers: ClinVar variation 3026307 (VCV003026307.23), dbSNP rs199821241, ClinGen allele CA1988100.
Genomic context (GRCh38, chr2:178,554,642, plus strand): 5'-CCAAATGTTCAGACACCATAGACCACACAACGCGGCTTGTCTCACGCTTTTCCACAATGT[A>T]GTGAGTGATTTTTGCACCACCATCATCAGCTGGAGGCCGCCAGAGAAGGGTGATCTTCTC-3'
Protein context (NP_001254479.2, residues 29559-29579): ADDGGAKITH[Tyr29569Asn]IVEKRETSRV

ClinVar aggregate classification (germline): Conflicting classifications of pathogenicity. Review status: criteria provided, conflicting classifications (1 of 4 stars). 3 submissions from 3 submitters: Uncertain significance (2); Likely benign (1). Last evaluated 2025-04-21.

Allele frequency attached by ClinVar (database versions not stated): TOPMed 0.00001; ExAC 0.00002; gnomAD exomes 0.00002; ESP Exome Variant Server 0.00008; gnomAD 0.00001.
gnomAD v4.1: 25 of 1,613,810 alleles (0.0015%); highest among the groups gnomAD compares: Non-Finnish European, 0.0021%; no homozygotes.

Submissions (3):

Mayo Clinic Laboratories, Mayo Clinic
Classification: Uncertain significance. Last evaluated: 2025-04-21. Review status: criteria provided, single submitter. Criteria: ACMG Guidelines, 2015. Collection method: clinical testing. Allele origin: germline. Observed: 1 variant allele.
Comment: PP3_moderate

Molecular Diagnostic Laboratory for Inherited Cardiovascular Disease, Montreal Heart Institute
Classification: Likely benign. Last evaluated: 2025-04-09. Review status: criteria provided, single submitter. Criteria: ACMG Guidelines, 2015. Collection method: clinical testing. Allele origin: germline. Affected: no.

CeGaT Center for Human Genetics Tuebingen
Classification: Uncertain significance. Last evaluated: 2024-02-01. Review status: criteria provided, single submitter. Criteria: CeGaT Center For Human Genetics Tuebingen Variant Classification Criteria Version 2. Collection method: clinical testing. Allele origin: germline. Affected: yes. Observed: 1 variant allele.